The following is an entry in ClinVar:

ClinVar aggregate classification (germline): Uncertain significance. Review status: criteria provided, multiple submitters, no conflicts (2 of 4 stars). 2 submissions from 2 submitters: Uncertain significance (2). Last evaluated 2025-11-27.

Allele frequency attached by ClinVar (database versions not stated): gnomAD exomes 0.00001; TOPMed 0.00002; ExAC 0.00004.
gnomAD v4.1: 15 of 1,595,134 alleles (0.00094%); highest among the groups gnomAD compares: Admixed American, 0.0018%; no homozygotes.

Submissions (2):

Labcorp Genetics (formerly Invitae), Labcorp
Classification: Uncertain significance. Last evaluated: 2025-11-27. Review status: criteria provided, single submitter. Criteria: Invitae Variant Classification Sherloc (09022015). Collection method: clinical testing. Allele origin: germline.
Comment: This sequence change replaces asparagine, which is neutral and polar, with lysine, which is basic and polar, at codon 747 of the ITGAM protein (p.Asn747Lys). This variant is present in population databases (rs772675002, gnomAD 0.003%). This variant has not been reported in the literature in individuals affected with ITGAM-related conditions. ClinVar contains an entry for this variant (Variation ID: 2075395). An algorithm developed to predict the effect of missense changes on protein structure and function (PolyPhen-2) suggests that this variant is likely to be tolerated. In summary, the available evidence is currently insufficient to determine the role of this variant in disease. Therefore, it has been classified as a Variant of Uncertain Significance.

Ambry Genetics
Classification: Uncertain significance. Last evaluated: 2025-01-20. Review status: criteria provided, single submitter. Criteria: Ambry Variant Classification Scheme 2023. Collection method: clinical testing. Allele origin: germline.

NM_000632.4(ITGAM):c.2241C>A (p.Asn747Lys)

Gene: ITGAM (integrin subunit alpha M; plus strand). Cytogenetic location: 16p11.2.
Variant type: single nucleotide variant.
Coding change: c.2241C>A on transcript NM_000632.4 (MANE Select); coding-DNA position 2241, C replaced by A.
Protein change: p.Asn747Lys; replaces asparagine 747 with lysine.
Molecular consequence: missense variant.
Genome position (GRCh38, 1-based): chr16:31,324,734, C>A. VCF-style: chr16-31324734-C-A. GRCh37 (hg19) VCF-style: chr16-31336055-C-A.
Other names: c.2241C>A (NM_000632.3); c.2244C>A, p.Asn748Lys (NM_001145808.2); short protein forms N748K, N747K.
Identifiers: ClinVar variation 2075395 (VCV002075395.5), dbSNP rs772675002, ClinGen allele CA8025762.